The following is an entry in ClinVar:

ClinVar aggregate classification (germline): Likely pathogenic (1 of 4 stars; one submission).

Conditions:
Wilson disease (WND). Also called: Wilson's disease. Identifiers: Orphanet 905, MedGen C0019202, MONDO:0010200, OMIM 277900. Disease mechanism: loss of function.

Submission:

Labcorp Genetics (formerly Invitae), Labcorp
Classification: Likely pathogenic for Wilson disease. Last evaluated: 2020-10-31. Review status: criteria provided, single submitter. Criteria: Invitae Variant Classification Sherloc (09022015). Collection method: clinical testing. Allele origin: germline.
Comment: This sequence change replaces aspartic acid with glutamic acid at codon 765 of the ATP7B protein (p.Asp765Glu). The aspartic acid residue is highly conserved and there is a small physicochemical difference between aspartic acid and glutamic acid. This variant is not present in population databases (ExAC no frequency). This variant has not been reported in the literature in individuals with ATP7B-related conditions. Advanced modeling of protein sequence and biophysical properties (such as structural, functional, and spatial information, amino acid conservation, physicochemical variation, residue mobility, and thermodynamic stability) performed at Invitae indicates that this missense variant is expected to disrupt ATP7B protein function. Algorithms developed to predict the effect of sequence changes on RNA splicing suggest that this variant may create or strengthen a splice site, but this prediction has not been confirmed by published transcriptional studies. This variant disrupts the p.Asp765 amino acid residue in ATP7B. Other variant(s) that disrupt this residue have been determined to be pathogenic (PMID: 23843956, 30384382, 21682854). This suggests that this residue is clinically significant, and that variants that disrupt this residue are likely to be disease-causing. In summary, the currently available evidence indicates that the variant is pathogenic, but additional data are needed to prove that conclusively. Therefore, this variant has been classified as Likely Pathogenic.

Literature cited by the submitters: PubMed 23843956; PubMed 30384382; PubMed 21682854.

NM_000053.4(ATP7B):c.2295C>G (p.Asp765Glu)

Gene: ATP7B (ATPase copper transporting beta; minus strand). Cytogenetic location: 13q14.3.
Variant type: single nucleotide variant.
Coding change: c.2295C>G on transcript NM_000053.4 (MANE Select); coding-DNA position 2295, C replaced by G.
Protein change: p.Asp765Glu; replaces aspartic acid 765 with glutamic acid.
Molecular consequence: missense variant. On other transcripts: intron variant (2).
Genome position (GRCh38, 1-based): chr13:51,958,371, G>C on the plus strand (C>G on the coding strand, the complement: ATP7B is on the minus strand). VCF-style: chr13-51958371-G-C. GRCh37 (hg19) VCF-style: chr13-52532507-G-C.
Other names: c.1962C>G, p.Asp654Glu (NM_001243182.2); c.2043C>G, p.Asp681Glu (NM_001330579.2); c.1870-764C>G (NM_001005918.3); c.2122-764C>G (NM_001330578.2); short protein forms D765E, D654E, D681E.
Identifiers: ClinVar variation 1493006 (VCV001493006.8), dbSNP rs774769813, ClinGen allele CA388021851.